The following is an entry in ClinVar:

ClinVar aggregate classification (germline): Conflicting classifications of pathogenicity. Review status: criteria provided, conflicting classifications (1 of 4 stars). 7 submissions from 6 submitters: Uncertain significance (2); Benign (2); Likely benign (3). Last evaluated 2026-01-26.

Conditions:
Lethal multiple pterygium syndrome (LMPS). Identifiers: Orphanet 33108, MedGen C1854678, MONDO:0009668, OMIM 253290.
Congenital myasthenic syndrome (CMS). Also called: Congenital Myasthenic Syndromes. Identifiers: Orphanet 590, MedGen C0751882, MeSH D020294, MONDO:0018940.

Allele frequency attached by ClinVar (database versions not stated): ExAC 0.00102; gnomAD exomes 0.00113 and 0.00067; gnomAD 0.00265; TOPMed 0.00023; ESP Exome Variant Server 0.00046.

Submissions (7):

Labcorp Genetics (formerly Invitae), Labcorp
Classification: Benign for Lethal multiple pterygium syndrome. Last evaluated: 2026-01-26. Review status: criteria provided, single submitter. Criteria: Invitae Variant Classification Sherloc (09022015). Collection method: clinical testing. Allele origin: germline.

Blueprint Genetics
Classification: Likely benign. Last evaluated: 2024-11-11. Review status: criteria provided, single submitter. Criteria: ACMG Guidelines, 2015. Collection method: clinical testing. Allele origin: germline.

Mayo Clinic Laboratories, Mayo Clinic
Classification: Benign. Last evaluated: 2023-06-01. Review status: criteria provided, single submitter. Criteria: ACMG Guidelines, 2015. Collection method: clinical testing. Allele origin: germline. Observed: 2 variant alleles.
Comment: BS1, BS2, BP4

CeGaT Center for Human Genetics Tuebingen
Classification: Likely benign. Last evaluated: 2022-05-01. Review status: criteria provided, single submitter. Criteria: CeGaT Center For Human Genetics Tuebingen Variant Classification Criteria Version 2. Collection method: clinical testing. Allele origin: germline. Affected: yes. Observed: 1 variant allele.
Comment: CHRND: BP4, BP7

GeneDx
Classification: Likely benign. Last evaluated: 2020-03-02. Review status: criteria provided, single submitter. Criteria: GeneDx Variant Classification Process June 2021. Collection method: clinical testing. Allele origin: germline. Affected: yes.

Illumina Laboratory Services, Illumina
Classification: Uncertain significance for Lethal multiple pterygium syndrome. Last evaluated: 2018-01-13. Review status: criteria provided, single submitter. Criteria: ICSL Variant Classification Criteria 13 December 2019. Collection method: clinical testing. Allele origin: germline.

Illumina Laboratory Services, Illumina
Classification: Uncertain significance for Congenital myasthenic syndrome. Last evaluated: 2018-01-13. Review status: criteria provided, single submitter. Criteria: ICSL Variant Classification Criteria 13 December 2019. Collection method: clinical testing. Allele origin: germline.

NM_000751.3(CHRND):c.414C>T (p.Phe138=)

Gene: CHRND (cholinergic receptor nicotinic delta subunit; plus strand). Cytogenetic location: 2q37.1.
Variant type: single nucleotide variant.
Coding change: c.414C>T on transcript NM_000751.3 (MANE Select); coding-DNA position 414, C replaced by T.
Protein change: p.Phe138=; no amino-acid change (phenylalanine 138 retained).
Molecular consequence: synonymous variant. On other transcripts: missense variant (1).
Genome position (GRCh38, 1-based): chr2:232,528,561, C>T. VCF-style: chr2-232528561-C-T. GRCh37 (hg19) VCF-style: chr2-233393271-C-T.
Other names: p.Phe138=; c.369C>T, p.Phe123= (NM_001256657.2); c.143C>T, p.Ser48Leu (NM_001311195.2); c.111C>T, p.Phe37= (NM_001311196.2); short protein forms S48L.
Identifiers: ClinVar variation 385691 (VCV000385691.51), dbSNP rs150208750, ClinGen allele CA2168023.